The following is an entry in ClinVar:

NM_001040108.2(MLH3):c.61T>C (p.Ser21Pro)

Gene: MLH3 (mutL homolog 3; minus strand). Cytogenetic location: 14q24.3.
Variant type: single nucleotide variant.
Coding change: c.61T>C on transcript NM_001040108.2 (MANE Select); coding-DNA position 61, T replaced by C.
Protein change: p.Ser21Pro; replaces serine 21 with proline.
Molecular consequence: missense variant.
Genome position (GRCh38, 1-based): chr14:75,049,595, A>G on the plus strand (T>C on the coding strand, the complement: MLH3 is on the minus strand). VCF-style: chr14-75049595-A-G. GRCh37 (hg19) VCF-style: chr14-75516298-A-G.
Other names: c.61T>C, p.Ser21Pro (NM_014381.3); short protein forms S21P.
Identifiers: ClinVar variation 936288 (VCV000936288.12), dbSNP rs1233254643, ClinGen allele CA390451803.
Genomic context (GRCh38, chr14:75,049,595, plus strand): 5'-CACATTTTGCTTCAGCATCAATACTGTTGAGGGCAAGTTCCTCAACACATTGGCCCAAGG[A>G]GCTTATGGCCAAACCAGAACGCAATTTGGCTTGTACTTCAACTGACAAGCACTTGATCAT-3'
Protein context (NP_001035197.1, residues 11-31): AKLRSGLAIS[Ser21Pro]LGQCVEELAL

ClinVar aggregate classification (germline): Uncertain significance. Review status: criteria provided, multiple submitters, no conflicts (2 of 4 stars). 2 submissions from 2 submitters: Uncertain significance (2). Last evaluated 2025-07-17.

Conditions:
Colorectal cancer, hereditary nonpolyposis, type 7. Identifiers: Orphanet 144, MedGen C1858380, MONDO:0013725, OMIM 614385.

Allele frequency attached by ClinVar (database versions not stated): gnomAD exomes below 0.00001 and 0.00001; TOPMed below 0.00001.

Submissions (2):

Ambry Genetics
Classification: Uncertain significance. Last evaluated: 2025-07-17. Review status: criteria provided, single submitter. Criteria: Ambry Variant Classification Scheme 2023. Collection method: clinical testing. Allele origin: germline.
Comment: The p.S21P variant (also known as c.61T>C), located in coding exon 1 of the MLH3 gene, results from a T to C substitution at nucleotide position 61. The serine at codon 21 is replaced by proline, an amino acid with similar properties. This amino acid position is conserved. In addition, this alteration is predicted to be deleterious by in silico analysis. Since supporting evidence is limited at this time, the clinical significance of this alteration remains unclear.

Labcorp Genetics (formerly Invitae), Labcorp
Classification: Uncertain significance for Colorectal cancer, hereditary nonpolyposis, type 7. Last evaluated: 2022-09-01. Review status: criteria provided, single submitter. Criteria: Invitae Variant Classification Sherloc (09022015). Collection method: clinical testing. Allele origin: germline.
Comment: In summary, the available evidence is currently insufficient to determine the role of this variant in disease. Therefore, it has been classified as a Variant of Uncertain Significance. Algorithms developed to predict the effect of missense changes on protein structure and function are either unavailable or do not agree on the potential impact of this missense change (SIFT: "Deleterious"; PolyPhen-2: "Probably Damaging"; Align-GVGD: "Class C0"). ClinVar contains an entry for this variant (Variation ID: 936288). This variant has not been reported in the literature in individuals affected with MLH3-related conditions. This variant is present in population databases (no rsID available, gnomAD 0.006%). This sequence change replaces serine, which is neutral and polar, with proline, which is neutral and non-polar, at codon 21 of the MLH3 protein (p.Ser21Pro).